The following is an entry in ClinVar:

ClinVar aggregate classification (germline): Pathogenic (1 of 4 stars; one submission).

Conditions:
Familial thoracic aortic aneurysm and aortic dissection (TAAD). Also called: Thoracic aortic aneurysms and dissections. Identifiers: Orphanet 91387, MedGen C4707243, MONDO:0019625.
Marfan syndrome (MFS). Also called: MARFAN SYNDROME, TYPE I; Marfan syndrome type 1; Marfan's syndrome; Marfan syndrome, classic; FBN1-Related Marfan Syndrome. Identifiers: Orphanet 284963, Orphanet 558, MedGen C0024796, MONDO:0007947, OMIM 154700.

Submission:

Labcorp Genetics (formerly Invitae), Labcorp
Classification: Pathogenic for Marfan syndrome; Familial thoracic aortic aneurysm and aortic dissection. Last evaluated: 2022-02-07. Review status: criteria provided, single submitter. Criteria: Invitae Variant Classification Sherloc (09022015). Collection method: clinical testing. Allele origin: germline.
Comment: For these reasons, this variant has been classified as Pathogenic. This variant disrupts the p.Cys816 amino acid residue in FBN1. Other variant(s) that disrupt this residue have been observed in individuals with FBN1-related conditions (PMID: 17027361, 18435798, 24793577, 31825148), which suggests that this may be a clinically significant amino acid residue. This variant affects a cysteine residue in the EGF-like, TGFBP or hybrid motif domains of FBN1. Cysteine residues are believed to be involved in intramolecular disulfide bridges and have been shown to be important for FBN1 protein structure (PMID: 16905551, 19349279). In addition, missense substitutions affecting cysteine residues within these domains are significantly overrepresented among patients with Marfan syndrome (PMID: 16571647, 17701892). Advanced modeling of protein sequence and biophysical properties (such as structural, functional, and spatial information, amino acid conservation, physicochemical variation, residue mobility, and thermodynamic stability) performed at Invitae indicates that this missense variant is expected to disrupt FBN1 protein function. This variant has not been reported in the literature in individuals affected with FBN1-related conditions. This variant is not present in population databases (gnomAD no frequency). This sequence change replaces cysteine, which is neutral and slightly polar, with tyrosine, which is neutral and polar, at codon 816 of the FBN1 protein (p.Cys816Tyr).

Literature cited by the submitters: PubMed 17027361; PubMed 18435798; PubMed 24793577; PubMed 31825148; PubMed 16905551; PubMed 19349279; PubMed 16571647; PubMed 17701892.

NM_000138.5(FBN1):c.2447G>A (p.Cys816Tyr)

Gene: FBN1 (fibrillin 1; minus strand). Cytogenetic location: 15q21.1.
Variant type: single nucleotide variant.
Coding change: c.2447G>A on transcript NM_000138.5 (MANE Select); coding-DNA position 2447, G replaced by A.
Protein change: p.Cys816Tyr; replaces cysteine 816 with tyrosine.
Molecular consequence: missense variant.
Genome position (GRCh38, 1-based): chr15:48,495,561, C>T on the plus strand (G>A on the coding strand, the complement: FBN1 is on the minus strand). VCF-style: chr15-48495561-C-T. GRCh37 (hg19) VCF-style: chr15-48787758-C-T.
Other names: c.2447G>A, p.Cys816Tyr (NM_001406716.1); short protein forms C816Y.
Identifiers: ClinVar variation 2094461 (VCV002094461.4), dbSNP rs397515770, ClinGen allele CA392334705.